The following is an entry in ClinVar:

NM_007294.4(BRCA1):c.5247A>C (p.Pro1749=)

Gene: BRCA1 (BRCA1 DNA repair associated; minus strand). Cytogenetic location: 17q21.31.
Variant type: single nucleotide variant.
Coding change: c.5247A>C on transcript NM_007294.4 (MANE Select); coding-DNA position 5247, A replaced by C.
Protein change: p.Pro1749=; no amino-acid change (proline 1749 retained).
Molecular consequence: synonymous variant.
Genome position (GRCh38, 1-based): chr17:43,057,082, T>G on the plus strand (A>C on the coding strand, the complement: BRCA1 is on the minus strand). VCF-style: chr17-43057082-T-G. GRCh37 (hg19) VCF-style: chr17-41209099-T-G.
Other names: c.5103A>C, p.Pro1701= (NM_001407742.1, NM_001407743.1, NM_001407744.1 and 21 more transcripts); c.5100A>C, p.Pro1700= (NM_001407838.1, NM_001407839.1, NM_001407841.1 and 12 more transcripts); c.5247A>C, p.Pro1749= (NM_001407854.1, NM_001407593.1, NM_001407594.1 and 7 more transcripts); c.5244A>C, p.Pro1748= (NM_001407858.1, NM_001407859.1, NM_001407860.1 and 17 more transcripts); c.5241A>C, p.Pro1747= (NM_001407861.1, NM_001407627.1, NM_001407628.1 and 14 more transcripts); c.5046A>C, p.Pro1682= (NM_001407862.1); c.5043A>C, p.Pro1681= (NM_001407863.1); c.5040A>C, p.Pro1680= (NM_001407874.1, NM_001407875.1); and 72 more.
Identifiers: ClinVar variation 865196 (VCV000865196.3), dbSNP rs2051507989, ClinGen allele CA500144633.

Conditions:
Breast-ovarian cancer, familial, susceptibility to, 1 (BROVCA1). Also called: BRCA1 Hereditary Breast and Ovarian Cancer; OVARIAN CANCER, SUSCEPTIBILITY TO. Identifiers: Orphanet 145, MedGen C2676676, MONDO:0011450, OMIM 604370. Disease mechanism: loss of function.

Submission:

Brotman Baty Institute, University of Washington
No classification provided (evidence only). Condition: Breast-ovarian cancer, familial 1. Review status: no classification provided. Collection method: in vitro. Allele origin: not applicable. Functional consequence: functionally_normal.
ClinVar note: "not provided" was previously submitted as the classification for the variant. However, the classification appeared to be based only on an observation of functional data so it was converted to no classification on 2025-07-30.